The following is an entry in ClinVar:

NM_022114.4(PRDM16):c.1327C>T (p.Arg443Cys)

Gene: PRDM16 (PR/SET domain 16; plus strand). Cytogenetic location: 1p36.32.
Variant type: single nucleotide variant.
Coding change: c.1327C>T on transcript NM_022114.4 (MANE Select); coding-DNA position 1327, C replaced by T.
Protein change: p.Arg443Cys; replaces arginine 443 with cysteine.
Molecular consequence: missense variant.
Genome position (GRCh38, 1-based): chr1:3,411,524, C>T. VCF-style: chr1-3411524-C-T. GRCh37 (hg19) VCF-style: chr1-3328088-C-T.
Other names: c.1327C>T, p.Arg443Cys (NM_199454.3); short protein forms R443C.
Identifiers: ClinVar variation 2424171 (VCV002424171.5), dbSNP rs2523880613, ClinGen allele CA337996982.
Genomic context (GRCh38, chr1:3,411,524, plus strand): 5'-ATCAAGTGCAAGGACTGTGGCCAGATGTTCAGCACTACCTCCTCCCTCAACAAGCACCGG[C>T]GCTTCTGCGAGGGCAAGAACCATTACACGCCGGGCGGCATCTTTGCCCCGGGCCTGCCCT-3'
Protein context (NP_071397.3, residues 433-453): STTSSLNKHR[Arg443Cys]FCEGKNHYTP

ClinVar aggregate classification (germline): Uncertain significance (1 of 4 stars; one submission).

Conditions:
Left ventricular noncompaction 8 (LVNC8). Identifiers: Orphanet 154, Orphanet 54260, MedGen C3809288, MONDO:0014152, OMIM 615373.

Submission:

Labcorp Genetics (formerly Invitae), Labcorp
Classification: Uncertain significance for Left ventricular noncompaction 8. Last evaluated: 2022-10-26. Review status: criteria provided, single submitter. Criteria: Invitae Variant Classification Sherloc (09022015). Collection method: clinical testing. Allele origin: germline.
Comment: This sequence change replaces arginine, which is basic and polar, with cysteine, which is neutral and slightly polar, at codon 443 of the PRDM16 protein (p.Arg443Cys). This variant is not present in population databases (gnomAD no frequency). This variant has not been reported in the literature in individuals affected with PRDM16-related conditions. Algorithms developed to predict the effect of missense changes on protein structure and function (SIFT, PolyPhen-2, Align-GVGD) all suggest that this variant is likely to be disruptive. In summary, the available evidence is currently insufficient to determine the role of this variant in disease. Therefore, it has been classified as a Variant of Uncertain Significance.